The following is an entry in ClinVar:

NM_001013703.4(EIF2AK4):c.248A>G (p.Tyr83Cys)

Gene: EIF2AK4 (eukaryotic translation initiation factor 2 alpha kinase 4; plus strand). Cytogenetic location: 15q15.1.
Variant type: single nucleotide variant.
Coding change: c.248A>G on transcript NM_001013703.4 (MANE Select); coding-DNA position 248, A replaced by G.
Protein change: p.Tyr83Cys; replaces tyrosine 83 with cysteine.
Molecular consequence: missense variant.
Genome position (GRCh38, 1-based): chr15:39,939,608, A>G. VCF-style: chr15-39939608-A-G. GRCh37 (hg19) VCF-style: chr15-40231809-A-G.
Other names: short protein forms Y83C.
Identifiers: ClinVar variation 4802386 (VCV004802386.1).

ClinVar aggregate classification (germline): Uncertain significance (1 of 4 stars; one submission).

Submission:

Labcorp Genetics (formerly Invitae), Labcorp
Classification: Uncertain significance. Last evaluated: 2025-08-16. Review status: criteria provided, single submitter. Criteria: Invitae Variant Classification Sherloc (09022015). Collection method: clinical testing. Allele origin: germline.
Comment: This sequence change replaces tyrosine, which is neutral and polar, with cysteine, which is neutral and slightly polar, at codon 83 of the EIF2AK4 protein (p.Tyr83Cys). This variant is not present in population databases (gnomAD no frequency). This missense change has been observed in individual(s) with EIF2AK4-related conditions (internal data). Invitae Evidence Modeling of protein sequence and biophysical properties (such as structural, functional, and spatial information, amino acid conservation, physicochemical variation, residue mobility, and thermodynamic stability) indicates that this missense variant is expected to disrupt EIF2AK4 protein function with a positive predictive value of 95%. In summary, the available evidence is currently insufficient to determine the role of this variant in disease. Therefore, it has been classified as a Variant of Uncertain Significance.